The following is an entry in ClinVar:

NM_001352027.3(PHF21A):c.944G>C (p.Arg315Thr)

Gene: PHF21A (PHD finger protein 21A; minus strand). Cytogenetic location: 11p11.2.
Variant type: single nucleotide variant.
Coding change: c.944G>C on transcript NM_001352027.3 (MANE Select); coding-DNA position 944, G replaced by C.
Protein change: p.Arg315Thr; replaces arginine 315 with threonine.
Molecular consequence: missense variant. On other transcripts: non-coding transcript variant (2).
Genome position (GRCh38, 1-based): chr11:45,965,367, C>G on the plus strand (G>C on the coding strand, the complement: PHF21A is on the minus strand). VCF-style: chr11-45965367-C-G. GRCh37 (hg19) VCF-style: chr11-45986918-C-G.
Other names: c.941G>C, p.Arg314Thr (NM_001101802.3, NM_001352030.3, NM_001352031.3 and 1 more transcripts); c.944G>C, p.Arg315Thr (NM_001352025.3, NM_001352026.3, NM_001352028.1 and 2 more transcripts); short protein forms R314T, R315T.
Identifiers: ClinVar variation 2572771 (VCV002572771.1), dbSNP rs2497625402, ClinGen allele CA380205984.

ClinVar aggregate classification (germline): Uncertain significance (1 of 4 stars; one submission).

Submission:

GeneDx
Classification: Uncertain significance. Last evaluated: 2023-01-03. Review status: criteria provided, single submitter. Criteria: GeneDx Variant Classification Process June 2021. Collection method: clinical testing. Allele origin: germline. Affected: yes.
Comment: Not observed at significant frequency in large population cohorts (gnomAD); In silico analysis supports that this missense variant does not alter protein structure/function; Has not been previously published as pathogenic or benign to our knowledge